The following is an entry in ClinVar:

ClinVar aggregate classification (germline): Conflicting classifications of pathogenicity. Review status: criteria provided, conflicting classifications (1 of 4 stars). 3 submissions from 3 submitters: Uncertain significance (1); Benign (1); Likely benign (1). Last evaluated 2025-04-08.

Conditions:
Hereditary breast ovarian cancer syndrome. Also called: Hereditary breast and ovarian cancer; Hereditary breast and ovarian cancer syndrome (HBOC); Hereditary breast and/or ovarian cancer syndrome; Hereditary breast and ovarian cancer syndrome; Breast and ovarian cancer; BRCA1- and BRCA2-Associated Hereditary Breast and Ovarian Cancer. Identifiers: Orphanet 145, MedGen C0677776, MeSH D061325, MONDO:0003582. Disease mechanism: loss of function.
Breast-ovarian cancer, familial, susceptibility to, 2 (BROVCA2). Also called: BRCA2 Hereditary Breast and Ovarian Cancer. Identifiers: Orphanet 145, MedGen C2675520, MONDO:0012933, OMIM 612555. Disease mechanism: loss of function.
Hereditary cancer-predisposing syndrome. Also called: Tumor predisposition; Neoplastic Syndromes, Hereditary; Hereditary Cancer Syndrome; Hereditary neoplastic syndrome. Identifiers: Orphanet 140162, MedGen C0027672, MeSH D009386, MONDO:0015356.

Submissions (3):

Labcorp Genetics (formerly Invitae), Labcorp
Classification: Likely benign for Hereditary breast ovarian cancer syndrome. Last evaluated: 2025-04-08. Review status: criteria provided, single submitter. Criteria: Invitae Variant Classification Sherloc (09022015). Collection method: clinical testing. Allele origin: germline.

Myriad Genetics, Inc.
Classification: Benign for Breast-ovarian cancer, familial, susceptibility to, 2. Last evaluated: 2023-03-10. Review status: criteria provided, single submitter. Criteria: Myriad Autosomal Dominant, Autosomal Recessive and X-Linked Classification Criteria (2023). Collection method: clinical testing. Allele origin: unknown.
Comment: This variant is considered benign. This variant is strongly associated with less severe personal and family histories of cancer, typical for individuals without pathogenic variants in this gene [PMID: 25085752].

Color Diagnostics, LLC DBA Color Health
Classification: Uncertain significance for Hereditary cancer-predisposing syndrome. Last evaluated: 2019-05-29. Review status: criteria provided, single submitter. Criteria: ACMG Guidelines, 2015. Collection method: clinical testing. Allele origin: germline.

Literature cited by the submitters: PubMed 25085752 (cited by Myriad Genetics, Inc.).

NM_000059.4(BRCA2):c.7805+6C>T

Gene: BRCA2 (BRCA2 DNA repair associated; plus strand). Cytogenetic location: 13q13.1.
Variant type: single nucleotide variant.
Coding change: c.7805+6C>T on transcript NM_000059.4 (MANE Select); 6 bases into the intron after coding-DNA position 7805, C replaced by T.
Molecular consequence: intron variant.
Genome position (GRCh38, 1-based): chr13:32,357,935, C>T. VCF-style: chr13-32357935-C-T. GRCh37 (hg19) VCF-style: chr13-32932072-C-T.
Identifiers: ClinVar variation 629565 (VCV000629565.13), dbSNP rs81002819, ClinGen allele CA913188544.